The following is an entry in ClinVar:

ClinVar aggregate classification (germline): Uncertain significance (1 of 4 stars; one submission).

Allele frequency attached by ClinVar (database versions not stated): TOPMed below 0.00001; gnomAD 0.00001.
gnomAD v4.1: 1 of 1,592,808 alleles (0.000063%); highest among the groups gnomAD compares: African/African-American, 0.0014%; no homozygotes.

Submission:

GeneDx
Classification: Uncertain significance. Last evaluated: 2022-01-20. Review status: criteria provided, single submitter. Criteria: GeneDx Variant Classification Process June 2021. Collection method: clinical testing. Allele origin: germline. Affected: yes.
Comment: Not observed at significant frequency in large population cohorts (gnomAD); In silico analysis supports that this missense variant does not alter protein structure/function; Has not been previously published as pathogenic or benign to our knowledge

NM_001348323.3(TRIP12):c.1252G>A (p.Ala418Thr)

Gene: TRIP12 (thyroid hormone receptor interactor 12; minus strand). Cytogenetic location: 2q36.3.
Variant type: single nucleotide variant.
Coding change: c.1252G>A on transcript NM_001348323.3 (MANE Select); coding-DNA position 1252, G replaced by A.
Protein change: p.Ala418Thr; replaces alanine 418 with threonine.
Molecular consequence: missense variant.
Genome position (GRCh38, 1-based): chr2:229,836,866, C>T on the plus strand (G>A on the coding strand, the complement: TRIP12 is on the minus strand). VCF-style: chr2-229836866-C-T. GRCh37 (hg19) VCF-style: chr2-230701582-C-T.
Other names: c.1252G>A, p.Ala418Thr (NM_001284214.2, NM_001348315.2, NM_001348319.1 and 13 more transcripts); c.1126G>A, p.Ala376Thr (NM_001284215.2, NM_001348316.2, NM_001348317.1 and 3 more transcripts); c.217G>A, p.Ala73Thr (NM_001284216.2); c.1165G>A, p.Ala389Thr (NM_001348332.1, NM_001348334.1); short protein forms A376T, A389T, A418T, A73T.
Identifiers: ClinVar variation 1698015 (VCV001698015.2), dbSNP rs2054963686, ClinGen allele CA350884714.